The following is an entry in ClinVar:

ClinVar aggregate classification (germline): Uncertain significance. Review status: criteria provided, multiple submitters, no conflicts (2 of 4 stars). 2 submissions from 2 submitters: Uncertain significance (2). Last evaluated 2024-06-30.

Conditions:
Hereditary cancer-predisposing syndrome. Also called: Tumor predisposition; Hereditary Cancer Syndrome; Hereditary neoplastic syndrome; Neoplastic Syndromes, Hereditary. Identifiers: Orphanet 140162, MedGen C0027672, MeSH D009386, MONDO:0015356.
Familial adenomatous polyposis 1 (FAP1). Also called: FAMILIAL ADENOMATOUS POLYPOSIS 1, ATTENUATED; POLYPOSIS, ADENOMATOUS INTESTINAL. Identifiers: MedGen C2713442, MONDO:0021056, OMIM 175100. Disease mechanism: loss of function.

Submissions (2):

Ambry Genetics
Classification: Uncertain significance for Hereditary cancer-predisposing syndrome. Last evaluated: 2024-06-30. Review status: criteria provided, single submitter. Criteria: Ambry Variant Classification Scheme 2023. Collection method: clinical testing. Allele origin: germline.
Comment: The p.N775D variant (also known as c.2323A>G), located in coding exon 15 of the APC gene, results from an A to G substitution at nucleotide position 2323. The asparagine at codon 775 is replaced by aspartic acid, an amino acid with highly similar properties. This amino acid position is conserved. In addition, in silico predictors for this gene do not accurately predict pathogenicity. Based on the available evidence, the clinical significance of this variant remains unclear.

Labcorp Genetics (formerly Invitae), Labcorp
Classification: Uncertain significance for Familial adenomatous polyposis 1. Last evaluated: 2017-08-18. Review status: criteria provided, single submitter. Criteria: Invitae Variant Classification Sherloc (09022015). Collection method: clinical testing. Allele origin: germline.
Comment: In summary, the available evidence is currently insufficient to determine the role of this variant in disease. Therefore, it has been classified as a Variant of Uncertain Significance. Algorithms developed to predict the effect of missense changes on protein structure and function do not agree on the potential impact of this missense change (SIFT: "Deleterious"; PolyPhen-2: "Possibly Damaging"; Align-GVGD: "Class C15"). This variant has not been reported in the literature in individuals with APC-related disease. This variant is not present in population databases (ExAC no frequency). This sequence change replaces asparagine with aspartic acid at codon 775 of the APC protein (p.Asn775Asp). The asparagine residue is highly conserved and there is a small physicochemical difference between asparagine and aspartic acid.

NM_000038.6(APC):c.2323A>G (p.Asn775Asp)

Gene: APC (APC regulator of Wnt signaling pathway; plus strand). Cytogenetic location: 5q22.2.
Variant type: single nucleotide variant.
Coding change: c.2323A>G on transcript NM_000038.6 (MANE Select); coding-DNA position 2323, A replaced by G.
Protein change: p.Asn775Asp; replaces asparagine 775 with aspartic acid.
Molecular consequence: missense variant.
Genome position (GRCh38, 1-based): chr5:112,837,917, A>G. VCF-style: chr5-112837917-A-G. GRCh37 (hg19) VCF-style: chr5-112173614-A-G.
Other names: c.2323A>G, p.Asn775Asp (NM_001127510.3, NM_001354895.2); c.2269A>G, p.Asn757Asp (NM_001127511.3); c.2377A>G, p.Asn793Asp (NM_001354896.2); c.2353A>G, p.Asn785Asp (NM_001354897.2); c.2248A>G, p.Asn750Asp (NM_001354898.2); c.2239A>G, p.Asn747Asp (NM_001354899.2); c.2200A>G, p.Asn734Asp (NM_001354900.2); c.2146A>G, p.Asn716Asp (NM_001354901.2); and 5 more; short protein forms N775D, N757D, N492D, N716D, N615D, N649D, N684D, N750D.
Identifiers: ClinVar variation 537501 (VCV000537501.11), dbSNP rs1554084074, ClinGen allele CA16026426.